The following is an entry in ClinVar:

ClinVar aggregate classification (germline): Uncertain significance (1 of 4 stars; one submission).

Conditions:
Arrhythmogenic right ventricular dysplasia 13. Also called: ARRHYTHMOGENIC RIGHT VENTRICULAR CARDIOMYOPATHY 13; Arrhythmogenic right ventricular dysplasia, familial, 13. Identifiers: MedGen C3810138, MONDO:0000908, OMIM 615616.

Submission:

Labcorp Genetics (formerly Invitae), Labcorp
Classification: Uncertain significance for Arrhythmogenic right ventricular dysplasia 13. Last evaluated: 2024-07-23. Review status: criteria provided, single submitter. Criteria: Invitae Variant Classification Sherloc (09022015). Collection method: clinical testing. Allele origin: germline.
Comment: This variant, c.174_176del, results in the deletion of 1 amino acid(s) of the CTNNA3 protein (p.Leu59del), but otherwise preserves the integrity of the reading frame. This variant is present in population databases (rs773028684, gnomAD 0.004%). This variant has not been reported in the literature in individuals affected with CTNNA3-related conditions. Experimental studies and prediction algorithms are not available or were not evaluated, and the functional significance of this variant is currently unknown. In summary, the available evidence is currently insufficient to determine the role of this variant in disease. Therefore, it has been classified as a Variant of Uncertain Significance.

NM_013266.4(CTNNA3):c.174_176del (p.Leu59del)

Gene: CTNNA3 (catenin alpha 3; minus strand). Cytogenetic location: 10q21.3.
Variant type: Deletion.
Coding change: c.174_176del on transcript NM_013266.4 (MANE Select); coding-DNA positions 174 to 176, 3 bases deleted (TCT; older notation c.174_176delTCT).
Protein change: p.Leu59del; deletes leucine 59.
Molecular consequence: inframe deletion.
Genome position (GRCh38, 1-based): chr10:67,606,973-67,606,975, AGA deleted on the plus strand (TCT on the coding strand, the reverse complement: CTNNA3 is on the minus strand); deleting any 3 consecutive bases within chr10:67,606,973-67,606,977 gives the same sequence; the c. name uses the placement nearest the transcript's 3' end. VCF-style (leftmost placement, unchanged base first): chr10-67606972-TAGA-T. GRCh37 (hg19) VCF-style: chr10-69366730-TAGA-T.
Other names: c.174_176del, p.Leu59del (NM_001127384.3); c.210_212del, p.Leu71del (NM_001291133.2); short protein forms L59del, L71del.
Identifiers: ClinVar variation 2904493 (VCV002904493.3), dbSNP rs773028684, ClinGen allele CA5520686.